The following is an entry in ClinVar:

ClinVar aggregate classification (germline): Pathogenic (1 of 4 stars; one submission).

Conditions:
Hereditary cancer-predisposing syndrome. Also called: Hereditary Cancer Syndrome; Tumor predisposition; Hereditary neoplastic syndrome; Neoplastic Syndromes, Hereditary. Identifiers: Orphanet 140162, MedGen C0027672, MeSH D009386, MONDO:0015356.

Submission:

Ambry Genetics
Classification: Pathogenic for Hereditary cancer-predisposing syndrome. Last evaluated: 2024-11-14. Review status: criteria provided, single submitter. Criteria: Ambry Variant Classification Scheme 2023. Collection method: clinical testing. Allele origin: germline.
Comment: The p.E732* pathogenic mutation (also known as c.2194G>T), located in coding exon 15 of the MSH3 gene, results from a G to T substitution at nucleotide position 2194. This changes the amino acid from a glutamic acid to a stop codon within coding exon 15. This variant is considered to be rare based on population cohorts in the Genome Aggregation Database (gnomAD). This alteration is expected to result in loss of function by premature protein truncation or nonsense-mediated mRNA decay. As such, this alteration is interpreted as a disease-causing mutation.

NM_002439.5(MSH3):c.2194G>T (p.Glu732Ter)

Gene: MSH3 (mutS homolog 3; plus strand). Cytogenetic location: 5q14.1.
Variant type: single nucleotide variant.
Coding change: c.2194G>T on transcript NM_002439.5 (MANE Select); coding-DNA position 2194, G replaced by T.
Protein change: p.Glu732Ter; replaces glutamic acid 732 with a stop codon.
Molecular consequence: nonsense.
Genome position (GRCh38, 1-based): chr5:80,768,944, G>T. VCF-style: chr5-80768944-G-T. GRCh37 (hg19) VCF-style: chr5-80064763-G-T.
Other names: short protein forms E732*.
Identifiers: ClinVar variation 3398747 (VCV003398747.1).